The following is an entry in ClinVar:

ClinVar aggregate classification (germline): Likely benign (1 of 4 stars; one submission).

Allele frequency attached by ClinVar (database versions not stated): 1000 Genomes Project 30x 0.00016; 1000 Genomes Project 0.00020; gnomAD exomes 0.00125; ESP Exome Variant Server 0.00131; gnomAD 0.00176; ExAC 0.00178; TOPMed 0.00192.
gnomAD v4.1: 2,236 of 1,606,350 alleles (0.14%); highest among the groups gnomAD compares: Middle Eastern, 0.7%; 27 homozygotes.

Submission:

CeGaT Center for Human Genetics Tuebingen
Classification: Likely benign. Last evaluated: 2023-02-01. Review status: criteria provided, single submitter. Criteria: CeGaT Center For Human Genetics Tuebingen Variant Classification Criteria Version 2. Collection method: clinical testing. Allele origin: germline. Affected: yes. Observed: 2 variant alleles.
Comment: FAM120A: BP4, BP7

NM_014612.5(FAM120A):c.1518G>A (p.Ser506=)

Gene: FAM120A (family with sequence similarity 120 member A; plus strand). Cytogenetic location: 9q22.31.
Variant type: single nucleotide variant.
Coding change: c.1518G>A on transcript NM_014612.5 (MANE Select); coding-DNA position 1518, G replaced by A.
Protein change: p.Ser506=; no amino-acid change (serine 506 retained).
Molecular consequence: synonymous variant.
Genome position (GRCh38, 1-based): chr9:93,529,364, G>A. VCF-style: chr9-93529364-G-A. GRCh37 (hg19) VCF-style: chr9-96291646-G-A.
Other names: c.1515G>A, p.Ser505= (NM_001286722.2); c.1518G>A, p.Ser506= (NM_001286723.2, NM_001286724.2).
Identifiers: ClinVar variation 2659314 (VCV002659314.24), dbSNP rs147279211, ClinGen allele CA5131753.
Genomic context (GRCh38, chr9:93,529,364, plus strand): 5'-AAAACATGACATACACTCGTTTTCCTCCCTTCTGCTCTCTGCACTGTAGGCAGAAGGCTC[G>A]TCCACTGCCTCTTCAGGAAGCCAACTAGCCGAAGGCAAGGGAAGCCAGATGGGCACTGTC-3'
Protein context (NP_055427.2, residues 496-516): DPGDQTKAEG[Ser506=]STASSGSQLA